The following is an entry in ClinVar:

NM_001197104.2(KMT2A):c.8365G>A (p.Val2789Ile)

Gene: KMT2A (lysine methyltransferase 2A; plus strand). Cytogenetic location: 11q23.3.
Variant type: single nucleotide variant.
Coding change: c.8365G>A on transcript NM_001197104.2 (MANE Select); coding-DNA position 8365, G replaced by A.
Protein change: p.Val2789Ile; replaces valine 2789 with isoleucine.
Molecular consequence: missense variant.
Genome position (GRCh38, 1-based): chr11:118,504,257, G>A. VCF-style: chr11-118504257-G-A. GRCh37 (hg19) VCF-style: chr11-118374972-G-A.
Other names: c.8356G>A, p.Val2786Ile (NM_005933.4); short protein forms V2786I, V2789I.
Identifiers: ClinVar variation 1309825 (VCV001309825.2), dbSNP rs2134398262, ClinGen allele CA382813192.

ClinVar aggregate classification (germline): Uncertain significance (1 of 4 stars; one submission).

Submission:

GeneDx
Classification: Uncertain significance. Last evaluated: 2019-10-29. Review status: criteria provided, single submitter. Criteria: GeneDx Variant Classification Process June 2021. Collection method: clinical testing. Allele origin: germline. Affected: yes.
Comment: Not observed in large population cohorts (Lek et al., 2016); In silico analysis, which includes protein predictors and evolutionary conservation, supports that this variant does not alter protein structure/function; Has not been previously published as pathogenic or benign to our knowledge